The following is an entry in ClinVar:

NM_006035.4(CDC42BPB):c.3229A>G (p.Ile1077Val)

Gene: CDC42BPB (CDC42 binding protein kinase beta; minus strand). Cytogenetic location: 14q32.32.
Variant type: single nucleotide variant.
Coding change: c.3229A>G on transcript NM_006035.4 (MANE Select); coding-DNA position 3229, A replaced by G.
Protein change: p.Ile1077Val; replaces isoleucine 1077 with valine.
Molecular consequence: missense variant.
Genome position (GRCh38, 1-based): chr14:102,950,546, T>C on the plus strand (A>G on the coding strand, the complement: CDC42BPB is on the minus strand). VCF-style: chr14-102950546-T-C. GRCh37 (hg19) VCF-style: chr14-103416883-T-C.
Other names: c.3151A>G, p.Ile1051Val (NM_001411054.1); short protein forms I1051V, I1077V.
Identifiers: ClinVar variation 3035870 (VCV003035870.3), dbSNP rs34822377, ClinGen allele CA7360814.

ClinVar aggregate classification (germline): Likely benign. Review status: criteria provided, single submitter (1 of 4 stars). 2 submissions from 2 submitters: Likely benign (1). 1 of the submissions does not count toward it. Last evaluated 2026-08-01.

Conditions:
CDC42BPB-related disorder.

Allele frequency attached by ClinVar (database versions not stated): gnomAD exomes 0.00026; ExAC 0.00086; 1000 Genomes Project 30x 0.00234; 1000 Genomes Project 0.00240; gnomAD 0.00281; ESP Exome Variant Server 0.00300; TOPMed 0.00315.
gnomAD v4.1: 821 of 1,611,890 alleles (0.051%); highest among the groups gnomAD compares: African/African-American, 0.91%; 2 homozygotes.

Submissions (2):

CeGaT Center for Human Genetics Tuebingen
Classification: Likely benign. Last evaluated: 2026-08-01. Review status: criteria provided, single submitter. Criteria: CeGaT Center For Human Genetics Tuebingen Variant Classification Criteria Version 2. Collection method: clinical testing. Allele origin: germline. Affected: yes. Observed: 1 variant allele.
Comment: CDC42BPB: BP4, BS1

PreventionGenetics, part of Exact Sciences
Classification: Benign for CDC42BPB-related condition. Last evaluated: 2024-02-26. Review status: no assertion criteria provided. Collection method: clinical testing. Allele origin: germline. Not counted in ClinVar's aggregate classification.
Comment: This variant is classified as benign based on ACMG/AMP sequence variant interpretation guidelines (Richards et al. 2015 PMID: 25741868, with internal and published modifications).